The following is an entry in ClinVar:

ClinVar aggregate classification (germline): Uncertain significance (1 of 4 stars; one submission).

Submission:

GeneDx
Classification: Uncertain significance. Last evaluated: 2023-05-11. Review status: criteria provided, single submitter. Criteria: GeneDx Variant Classification Process June 2021. Collection method: clinical testing. Allele origin: germline. Affected: yes.
Comment: Frameshift variant predicted to result in protein truncation as the last 1 amino acids are replaced with 91 different amino acids, although loss-of-function variants have not been reported downstream of this position in the protein; Not observed at significant frequency in large population cohorts (gnomAD); Has not been previously published as pathogenic or benign to our knowledge

NM_001114753.3(ENG):c.1852+21_1852+22del

Gene: ENG (endoglin; minus strand). Cytogenetic location: 9q34.11.
Variant type: Microsatellite.
Coding change: c.1852+21_1852+22del on transcript NM_001114753.3 (MANE Select); bases 21 to 22 of the intron after coding-DNA position 1852, 2 bases deleted (CA; older notation c.1852+21_1852+22delCA).
Molecular consequence: intron variant. On other transcripts: frameshift variant (1).
Genome position (GRCh38, 1-based): chr9:127,815,921-127,815,922, TG deleted on the plus strand (CA on the coding strand, the reverse complement: ENG is on the minus strand); deleting any 2 consecutive bases within chr9:127,815,921-127,815,924 gives the same sequence; the c. name uses the placement nearest the transcript's 3' end. VCF-style (leftmost placement, unchanged base first): chr9-127815920-CTG-C. GRCh37 (hg19) VCF-style: chr9-130578199-CTG-C.
Other names: c.1873_1874del, p.Gln625fs (NM_000118.4); c.1306+21_1306+22del (NM_001278138.2); short protein forms Q625fs.
Identifiers: ClinVar variation 2662296 (VCV002662296.1), dbSNP rs2539053213, ClinGen allele CA2695199410.
Genomic context (GRCh38, chr9:127,815,920, plus strand): 5'-TCAATCCCTCAGAGGCTTCACTGGGCTCCCCCGGGTGGATGGAGGGGCCCGGCATGCTCA[CTG>C]TGGGGGCCTGGGGTACTCACGCGTGTGCGAGTAGATGTACCAGAGTGCAGCAGTGAGCAG-3'